The following is an entry in ClinVar:

NM_001114753.3(ENG):c.1096del (p.Asp366fs)

Gene: ENG (endoglin; minus strand). Cytogenetic location: 9q34.11.
Variant type: Deletion.
Coding change: c.1096del on transcript NM_001114753.3 (MANE Select); coding-DNA position 1096, one base deleted (G; older notation c.1096delG).
Protein change: p.Asp366fs; shifts the reading frame from aspartic acid 366.
Molecular consequence: frameshift variant.
Genome position (GRCh38, 1-based): chr9:127,824,342, C deleted on the plus strand (G on the coding strand, the reverse complement: ENG is on the minus strand). VCF-style (leftmost placement, unchanged base first): chr9-127824341-TC-T. GRCh37 (hg19) VCF-style: chr9-130586620-TC-T.
Other names: c.1096del, p.Asp366fs (NM_000118.4, NM_001406715.1); c.550del, p.Asp184fs (NM_001278138.2); short protein forms D184fs, D366fs.
Identifiers: ClinVar variation 3659091 (VCV003659091.2).
Genomic context (GRCh38, chr9:127,824,341, plus strand): 5'-CAGAGGGGCAGGAGTTCCCTTACCGCAACAAGCTCTTTCTTTAGTACCAGGGTCATGGCG[TC>T]GTCGGCACACTTTGTCTGGATCAAGGACATGAGCAGCTCCGGGCTACAAGTGTCCTTGGG-3'

ClinVar aggregate classification (germline): Pathogenic (1 of 4 stars; one submission).

Conditions:
Hereditary hemorrhagic telangiectasia (HHT). Also called: ORW DISEASE; Osler Weber Rendu syndrome; OSLER-RENDU-WEBER DISEASE; Osler hemorrhagic telangiectasia syndrome. Identifiers: Orphanet 774, MedGen C0039445, MONDO:0019180. Disease mechanism: loss of function.

Submission:

Labcorp Genetics (formerly Invitae), Labcorp
Classification: Pathogenic for Hereditary hemorrhagic telangiectasia. Last evaluated: 2024-07-09. Review status: criteria provided, single submitter. Criteria: Invitae Variant Classification Sherloc (09022015). Collection method: clinical testing. Allele origin: germline.
Comment: This sequence change creates a premature translational stop signal (p.Asp366Thrfs*3) in the ENG gene. It is expected to result in an absent or disrupted protein product. Loss-of-function variants in ENG are known to be pathogenic (PMID: 15879500). This variant is not present in population databases (gnomAD no frequency). This variant has not been reported in the literature in individuals affected with ENG-related conditions. Algorithms developed to predict the effect of sequence changes on RNA splicing suggest that this variant may disrupt the consensus splice site. For these reasons, this variant has been classified as Pathogenic.

Literature cited by the submitters: PubMed 15879500.